The following is an entry in ClinVar:

NM_001197104.2(KMT2A):c.3322A>G (p.Met1108Val)

Gene: KMT2A (lysine methyltransferase 2A; plus strand). Cytogenetic location: 11q23.3.
Variant type: single nucleotide variant.
Coding change: c.3322A>G on transcript NM_001197104.2 (MANE Select); coding-DNA position 3322, A replaced by G.
Protein change: p.Met1108Val; replaces methionine 1108 with valine.
Molecular consequence: missense variant.
Genome position (GRCh38, 1-based): chr11:118,476,970, A>G. VCF-style: chr11-118476970-A-G. GRCh37 (hg19) VCF-style: chr11-118347685-A-G.
Other names: c.3322A>G, p.Met1108Val (NM_005933.4); short protein forms M1108V.
Identifiers: ClinVar variation 1385606 (VCV001385606.6), dbSNP rs1239753994, ClinGen allele CA382824151.
Genomic context (GRCh38, chr11:118,476,970, plus strand): 5'-GATGACATGCCCACCCTGAGTGCCTTACCATGGGAAGAACGAGAAAAGATTTTGTCTTCC[A>G]TGGGGAATGATGGTAGGTCAAGAAGGTCAATCTTGGAGTCGGAACAGACTTTTGATTTGT-3'
Protein context (NP_001184033.1, residues 1098-1118): WEEREKILSS[Met1108Val]GNDDKSSIAG

ClinVar aggregate classification (germline): Uncertain significance (1 of 4 stars; one submission).

Allele frequency attached by ClinVar (database versions not stated): gnomAD 0.00001; gnomAD exomes 0.00001; TOPMed 0.00001.

Submission:

Labcorp Genetics (formerly Invitae), Labcorp
Classification: Uncertain significance. Last evaluated: 2023-07-03. Review status: criteria provided, single submitter. Criteria: Invitae Variant Classification Sherloc (09022015). Collection method: clinical testing. Allele origin: germline.
Comment: This sequence change replaces methionine, which is neutral and non-polar, with valine, which is neutral and non-polar, at codon 1108 of the KMT2A protein (p.Met1108Val). This variant is present in population databases (no rsID available, gnomAD 0.003%). This variant has not been reported in the literature in individuals affected with KMT2A-related conditions. ClinVar contains an entry for this variant (Variation ID: 1385606). Advanced modeling of protein sequence and biophysical properties (such as structural, functional, and spatial information, amino acid conservation, physicochemical variation, residue mobility, and thermodynamic stability) has been performed at Invitae for this missense variant, however the output from this modeling did not meet the statistical confidence thresholds required to predict the impact of this variant on KMT2A protein function. In summary, the available evidence is currently insufficient to determine the role of this variant in disease. Therefore, it has been classified as a Variant of Uncertain Significance.